The following is an entry in ClinVar:

ClinVar aggregate classification (germline): Pathogenic (1 of 4 stars; one submission).

Conditions:
Nephronophthisis. Also called: Juvenile Nephronophthisis. Identifiers: Orphanet 655, MedGen C0687120, MONDO:0019005, HP:0000090.

Submission:

Labcorp Genetics (formerly Invitae), Labcorp
Classification: Pathogenic for Nephronophthisis. Last evaluated: 2023-11-13. Review status: criteria provided, single submitter. Criteria: Invitae Variant Classification Sherloc (09022015). Collection method: clinical testing. Allele origin: germline.
Comment: This sequence change creates a premature translational stop signal (p.Gln925*) in the NPHP4 gene. It is expected to result in an absent or disrupted protein product. Loss-of-function variants in NPHP4 are known to be pathogenic (PMID: 12205563, 23559409). This variant is not present in population databases (gnomAD no frequency). This variant has not been reported in the literature in individuals affected with NPHP4-related conditions. ClinVar contains an entry for this variant (Variation ID: 2124439). Algorithms developed to predict the effect of sequence changes on RNA splicing suggest that this variant may disrupt the consensus splice site. For these reasons, this variant has been classified as Pathogenic.

Literature cited by the submitters: PubMed 12205563; PubMed 23559409.

NM_015102.5(NPHP4):c.2773C>T (p.Gln925Ter)

Gene: NPHP4 (nephrocystin 4; minus strand). Cytogenetic location: 1p36.31.
Variant type: single nucleotide variant.
Coding change: c.2773C>T on transcript NM_015102.5 (MANE Select); coding-DNA position 2773, C replaced by T.
Protein change: p.Gln925Ter; replaces glutamine 925 with a stop codon.
Molecular consequence: nonsense. On other transcripts: non-coding transcript variant (1).
Genome position (GRCh38, 1-based): chr1:5,877,137, G>A on the plus strand (C>T on the coding strand, the complement: NPHP4 is on the minus strand). VCF-style: chr1-5877137-G-A. GRCh37 (hg19) VCF-style: chr1-5937197-G-A.
Other names: c.1234C>T, p.Gln412Ter (NM_001291593.2); c.1237C>T, p.Gln413Ter (NM_001291594.2); short protein forms Q413*, Q925*, Q412*.
Identifiers: ClinVar variation 2124439 (VCV002124439.4), dbSNP rs2523226313, ClinGen allele CA338057245.
Genomic context (GRCh38, chr1:5,877,137, plus strand): 5'-CTGAACAAACCCTTACCAACACGCTCGTCCCGCGCCGGCCCAAGTCTCCCCCGGCCTCCT[G>A]CAGGCGCACAGACCTCATCCGCTCCAGCTTACGCCTGCGGGTGGCATCCGACTCGCGGCT-3'